The following is an entry in ClinVar:

ClinVar aggregate classification (germline): Uncertain significance. Review status: criteria provided, single submitter (1 of 4 stars). 2 submissions from 2 submitters: Uncertain significance (1). 1 of the submissions does not count toward it. Last evaluated 2017-08-24.

Conditions:
Decreased circulating carnitine concentration. Also called: Decreased plasma carnitine. Identifiers: MedGen C5848230, HP:0003234.

Allele frequency attached by ClinVar (database versions not stated): gnomAD 0.00001; TOPMed 0.00002.
gnomAD v4.1: 32 of 1,592,318 alleles (0.002%); highest among the groups gnomAD compares: Non-Finnish European, 0.0027%; no homozygotes.

Submissions (2):

GeneDx
Classification: Uncertain significance. Last evaluated: 2017-08-24. Review status: criteria provided, single submitter. Criteria: GeneDx Variant Classification (06012015). Collection method: clinical testing. Allele origin: germline. Affected: yes.
Comment: The G74D variant in the SLC22A5 gene has not been reported previously as a pathogenic variant, nor as a benign variant, to our knowledge. The G74D variant is not observed in large population cohorts (Lek et al., 2016; 1000 Genomes Consortium et al., 2015; Exome Variant Server). The G74D variant is a non-conservative amino acid substitution, which occurs at a position that is not conserved. In silico analysis predicts this variant is probably damaging to the protein structure/function. We interpret G74D as a variant of uncertain significance.

Natera, Inc.
Classification: Uncertain significance for Carnitine deficiency. Last evaluated: 2020-10-14. Review status: no assertion criteria provided. Collection method: clinical testing. Allele origin: germline. Not counted in ClinVar's aggregate classification.

NM_003060.4(SLC22A5):c.221G>A (p.Gly74Asp)

Gene: SLC22A5 (solute carrier family 22 member 5; plus strand). Cytogenetic location: 5q31.1.
Variant type: single nucleotide variant.
Coding change: c.221G>A on transcript NM_003060.4 (MANE Select); coding-DNA position 221, G replaced by A.
Protein change: p.Gly74Asp; replaces glycine 74 with aspartic acid.
Molecular consequence: missense variant.
Genome position (GRCh38, 1-based): chr5:132,370,193, G>A. VCF-style: chr5-132370193-G-A. GRCh37 (hg19) VCF-style: chr5-131705885-G-A.
Other names: c.221G>A, p.Gly74Asp (NM_001308122.2); short protein forms G74D.
Identifiers: ClinVar variation 451559 (VCV000451559.6), dbSNP rs1031179639, ClinGen allele CA127196443.
Genomic context (GRCh38, chr5:132,370,193, plus strand): 5'-ACGCCGCGAACCTGAGCAGCGCCTGGCGCAACCACACTGTCCCACTGCGGCTGCGGGACG[G>A]CCGCGAGGTGCCCCACAGCTGCCGCCGCTACCGGCTCGCCACCATCGCCAACTTCTCGGC-3'
Protein context (NP_003051.1, residues 64-84): NHTVPLRLRD[Gly74Asp]REVPHSCRRY